The following is an entry in ClinVar:

NM_004006.3(DMD):c.6290+2T>A

Gene: DMD (dystrophin; minus strand). Cytogenetic location: Xp21.1.
Variant type: single nucleotide variant.
Coding change: c.6290+2T>A on transcript NM_004006.3 (MANE Select); the canonical splice donor site of the intron after coding-DNA position 6290, T replaced by A.
Molecular consequence: splice donor variant.
Genome position (GRCh38, 1-based): chrX:32,287,527, A>T on the plus strand (T>A on the coding strand, the complement: DMD is on the minus strand). VCF-style: chrX-32287527-A-T. GRCh37 (hg19) VCF-style: chrX-32305644-A-T.
Other names: c.6266+2T>A (NM_000109.4); c.2267+2T>A (NM_004011.4); c.2258+2T>A (NM_004012.4); c.6278+2T>A (NM_004009.3); c.5921+2T>A (NM_004010.3).
Identifiers: ClinVar variation 845533 (VCV000845533.10), dbSNP rs2097447247, ClinGen allele CA412665482.

ClinVar aggregate classification (germline): Pathogenic (1 of 4 stars; one submission).

Conditions:
Duchenne muscular dystrophy (DMD). Also called: Duchenne Muscular Dystrophy (DMD); MUSCULAR DYSTROPHY, PSEUDOHYPERTROPHIC PROGRESSIVE, DUCHENNE TYPE. Identifiers: Orphanet 98896, MedGen C0013264, MONDO:0010679, OMIM 310200.

Submission:

Labcorp Genetics (formerly Invitae), Labcorp
Classification: Pathogenic for Duchenne muscular dystrophy. Last evaluated: 2019-12-23. Review status: criteria provided, single submitter. Criteria: Invitae Variant Classification Sherloc (09022015). Collection method: clinical testing. Allele origin: germline.
Comment: For these reasons, this variant has been classified as Pathogenic. Donor and acceptor splice site variants typically lead to a loss of protein function (PMID: 16199547), and loss-of-function variants in DMD are known to be pathogenic (PMID: 16770791, 25007885). Algorithms developed to predict the effect of sequence changes on RNA splicing suggest that this variant may disrupt the consensus splice site, but this prediction has not been confirmed by published transcriptional studies. Disruption of this splice site has been observed in individual(s) with Duchenne or Becker muscular dystrophy (PMID: 28318817, 28859693, 17726484). This variant is not present in population databases (ExAC no frequency). This sequence change affects a donor splice site in intron 43 of the DMD gene. It is expected to disrupt RNA splicing and likely results in an absent or disrupted protein product.

Literature cited by the submitters: PubMed 16199547; PubMed 16770791; PubMed 25007885; PubMed 28318817; PubMed 28859693; PubMed 17726484.